The following is an entry in ClinVar:

NM_024422.6(DSC2):c.1070G>T (p.Arg357Leu)

Gene: DSC2 (desmocollin 2; minus strand). Cytogenetic location: 18q12.1.
Variant type: single nucleotide variant.
Coding change: c.1070G>T on transcript NM_024422.6 (MANE Select); coding-DNA position 1070, G replaced by T.
Protein change: p.Arg357Leu; replaces arginine 357 with leucine.
Molecular consequence: missense variant.
Genome position (GRCh38, 1-based): chr18:31,082,933, C>A on the plus strand (G>T on the coding strand, the complement: DSC2 is on the minus strand). VCF-style: chr18-31082933-C-A. GRCh37 (hg19) VCF-style: chr18-28662899-C-A.
Other names: c.641G>T, p.Arg214Leu (NM_001406506.1, NM_001406507.1); c.1070G>T, p.Arg357Leu (NM_004949.5); short protein forms R214L, R357L.
Identifiers: ClinVar variation 1783342 (VCV001783342.3), dbSNP rs201201194, ClinGen allele CA402110323.

ClinVar aggregate classification (germline): Uncertain significance. Review status: criteria provided, multiple submitters, no conflicts (2 of 4 stars). 2 submissions from 2 submitters: Uncertain significance (2). Last evaluated 2026-01-13.

Conditions:
Arrhythmogenic right ventricular dysplasia 11. Also called: Arrhythmogenic Right Ventricular Dysplasia/Cardiomyopathy11; ARRHYTHMOGENIC RIGHT VENTRICULAR DYSPLASIA, FAMILIAL, 11; Arrhythmogenic right ventricular dysplasia 11 with mild palmoplantar keratoderma and woolly hair. Identifiers: MedGen C1864850, MONDO:0012506, OMIM 610476.
Cardiovascular phenotype. Identifiers: MedGen CN230736.

Submissions (2):

Labcorp Genetics (formerly Invitae), Labcorp
Classification: Uncertain significance for Arrhythmogenic right ventricular dysplasia 11. Last evaluated: 2026-01-13. Review status: criteria provided, single submitter. Criteria: Invitae Variant Classification Sherloc (09022015). Collection method: clinical testing. Allele origin: germline.
Comment: This sequence change replaces arginine, which is basic and polar, with leucine, which is neutral and non-polar, at codon 357 of the DSC2 protein (p.Arg357Leu). This variant is not present in population databases (gnomAD no frequency). This variant has not been reported in the literature in individuals affected with DSC2-related conditions. ClinVar contains an entry for this variant (Variation ID: 1783342). Invitae Evidence Modeling of protein sequence and biophysical properties (such as structural, functional, and spatial information, amino acid conservation, physicochemical variation, residue mobility, and thermodynamic stability) indicates that this missense variant is not expected to disrupt DSC2 protein function with a negative predictive value of 80%. In summary, the available evidence is currently insufficient to determine the role of this variant in disease. Therefore, it has been classified as a Variant of Uncertain Significance.

Ambry Genetics
Classification: Uncertain significance for Cardiovascular phenotype. Last evaluated: 2022-07-11. Review status: criteria provided, single submitter. Criteria: Ambry Variant Classification Scheme 2023. Collection method: clinical testing. Allele origin: germline.
Comment: The p.R357L variant (also known as c.1070G>T), located in coding exon 8 of the DSC2 gene, results from a G to T substitution at nucleotide position 1070. The arginine at codon 357 is replaced by leucine, an amino acid with dissimilar properties. This amino acid position is conserved. In addition, this alteration is predicted to be tolerated by in silico analysis. Since supporting evidence is limited at this time, the clinical significance of this alteration remains unclear.